The following is an entry in ClinVar:

NM_013372.7(GREM1):c.501G>T (p.Lys167Asn)

Gene: GREM1 (gremlin 1, DAN family BMP antagonist; plus strand). Cytogenetic location: 15q13.3.
Variant type: single nucleotide variant.
Coding change: c.501G>T on transcript NM_013372.7 (MANE Select); coding-DNA position 501, G replaced by T.
Protein change: p.Lys167Asn; replaces lysine 167 with asparagine.
Molecular consequence: missense variant.
Genome position (GRCh38, 1-based): chr15:32,731,191, G>T. VCF-style: chr15-32731191-G-T. GRCh37 (hg19) VCF-style: chr15-33023392-G-T.
Other names: c.291G>T, p.Lys97Asn (NM_001191322.2); c.378G>T, p.Lys126Asn (NM_001191323.2); c.501G>T, p.Lys167Asn (NM_001368719.1); short protein forms K167N, K126N, K97N.
Identifiers: ClinVar variation 3282654 (VCV003282654.1).

ClinVar aggregate classification (germline): Uncertain significance (1 of 4 stars; one submission).

Conditions:
Hereditary cancer-predisposing syndrome. Also called: Tumor predisposition; Hereditary Cancer Syndrome; Hereditary neoplastic syndrome; Neoplastic Syndromes, Hereditary. Identifiers: Orphanet 140162, MedGen C0027672, MeSH D009386, MONDO:0015356.

Submission:

Ambry Genetics
Classification: Uncertain significance for Hereditary cancer-predisposing syndrome. Last evaluated: 2024-04-05. Review status: criteria provided, single submitter. Criteria: Ambry Variant Classification Scheme 2023. Collection method: clinical testing. Allele origin: germline.
Comment: The p.K167N variant (also known as c.501G>T), located in coding exon 1 of the GREM1 gene, results from a G to T substitution at nucleotide position 501. The lysine at codon 167 is replaced by asparagine, an amino acid with similar properties. This amino acid position is conserved. In addition, this alteration is predicted to be tolerated by in silico analysis. Based on the available evidence, the clinical significance of this variant remains unclear.